The following is an entry in ClinVar:

ClinVar aggregate classification (germline): Uncertain significance (1 of 4 stars; one submission).

Allele frequency attached by ClinVar (database versions not stated): ExAC 0.00001; gnomAD exomes 0.00001.

Submission:

Ambry Genetics
Classification: Uncertain significance. Last evaluated: 2019-09-28. Review status: criteria provided, single submitter. Criteria: Ambry Variant Classification Scheme 2023. Collection method: clinical testing. Allele origin: germline.
Comment: The p.T9I variant (also known as c.26C>T), located in coding exon 1 of the IKBKAP gene, results from a C to T substitution at nucleotide position 26. The threonine at codon 9 is replaced by isoleucine, an amino acid with similar properties. This amino acid position is not well conserved in available vertebrate species. In addition, this alteration is predicted to be tolerated by in silico analysis. Since supporting evidence is limited at this time, the clinical significance of this alteration remains unclear.

NM_003640.5(ELP1):c.26C>T (p.Thr9Ile)

Gene: ELP1 (elongator acetyltransferase complex subunit 1; minus strand). Cytogenetic location: 9q31.3.
Variant type: single nucleotide variant.
Coding change: c.26C>T on transcript NM_003640.5 (MANE Select); coding-DNA position 26, C replaced by T.
Protein change: p.Thr9Ile; replaces threonine 9 with isoleucine.
Molecular consequence: missense variant. On other transcripts: 5 prime UTR variant (1), intron variant (1).
Genome position (GRCh38, 1-based): chr9:108,931,121, G>A on the plus strand (C>T on the coding strand, the complement: ELP1 is on the minus strand). VCF-style: chr9-108931121-G-A. GRCh37 (hg19) VCF-style: chr9-111693401-G-A.
Other names: c.-834C>T (NM_001330749.2); c.-252-65C>T (NM_001318360.2); short protein forms T9I.
Identifiers: ClinVar variation 1800399 (VCV001800399.2), dbSNP rs761669364, ClinGen allele CA5175481.